The following is an entry in ClinVar:

ClinVar aggregate classification (germline): Likely benign. Review status: criteria provided, multiple submitters, no conflicts (2 of 4 stars). 5 submissions from 5 submitters: Likely benign (5). Last evaluated 2026-08-17.

Conditions:
Catecholaminergic polymorphic ventricular tachycardia 1. Also called: VENTRICULAR TACHYCARDIA, CATECHOLAMINERGIC POLYMORPHIC, 1, WITH OR WITHOUT ATRIAL DYSFUNCTION AND/OR DILATED CARDIOMYOPATHY; RYR2-Related Catecholaminergic Polymorphic Ventricular Tachycardia; VENTRICULAR TACHYCARDIA, STRESS-INDUCED POLYMORPHIC 1. Identifiers: Orphanet 3286, MedGen C1631597, MONDO:0011484, OMIM 604772.
Cardiomyopathy (CMYO). Also called: Cardiomyopathies. Identifiers: Orphanet 167848, MedGen C0878544, MONDO:0004994, HP:0001638. Inheritance: Various modes of inheritance.
Cardiovascular phenotype. Identifiers: MedGen CN230736.
Catecholaminergic polymorphic ventricular tachycardia (CVPT). Also called: Catecholamine-induced polymorphic ventricular tachycardia. Identifiers: Orphanet 3286, MedGen C5574922, MONDO:0017990.

Allele frequency attached by ClinVar (database versions not stated): TOPMed 0.00001.
gnomAD v4.1: 8 of 1,614,000 alleles (0.0005%); highest among the groups gnomAD compares: Non-Finnish European, 0.00068%; no homozygotes.

Submissions (5):

Ambry Genetics
Classification: Likely benign for Cardiovascular phenotype. Last evaluated: 2026-08-17. Review status: criteria provided, single submitter. Criteria: Ambry Variant Classification Scheme 2023. Collection method: clinical testing. Allele origin: germline.

Labcorp Genetics (formerly Invitae), Labcorp
Classification: Likely benign for Catecholaminergic polymorphic ventricular tachycardia 1. Last evaluated: 2025-01-22. Review status: criteria provided, single submitter. Criteria: Invitae Variant Classification Sherloc (09022015). Collection method: clinical testing. Allele origin: germline.

All of Us Research Program, National Institutes of Health
Classification: Likely benign for Catecholaminergic polymorphic ventricular tachycardia. Last evaluated: 2023-12-13. Review status: criteria provided, single submitter. Criteria: ACMG Guidelines, 2015. Collection method: clinical testing. Allele origin: germline. Inheritance: Autosomal dominant inheritance. Observed: 2 variant alleles, 2 heterozygotes.
Comment: This study involves interpretation of variants in research participants for the purpose of population health screening. Participant phenotype was not available at the time of variant classification. Additional details can be found in publication PMID: 35346344, PMCID: PMC8962531

Blueprint Genetics
Classification: Likely benign. Last evaluated: 2022-06-28. Review status: criteria provided, single submitter. Criteria: ACMG Guidelines, 2015. Collection method: clinical testing. Allele origin: germline.

Color Diagnostics, LLC DBA Color Health
Classification: Likely benign for Cardiomyopathy. Last evaluated: 2019-08-09. Review status: criteria provided, single submitter. Criteria: ACMG Guidelines, 2015. Collection method: clinical testing. Allele origin: germline.

NM_001035.3(RYR2):c.5589G>A (p.Thr1863=)

Gene: RYR2 (ryanodine receptor 2; plus strand). Cytogenetic location: 1q43.
Variant type: single nucleotide variant.
Coding change: c.5589G>A on transcript NM_001035.3 (MANE Select); coding-DNA position 5589, G replaced by A.
Protein change: p.Thr1863=; no amino-acid change (threonine 1863 retained).
Molecular consequence: synonymous variant.
Genome position (GRCh38, 1-based): chr1:237,614,717, G>A. VCF-style: chr1-237614717-G-A. GRCh37 (hg19) VCF-style: chr1-237778017-G-A.
Identifiers: ClinVar variation 702643 (VCV000702643.18), dbSNP rs778971089, ClinGen allele CA39828643.